The following is an entry in ClinVar:

ClinVar aggregate classification (germline): Pathogenic (1 of 4 stars; one submission).

Conditions:
Ellis-van Creveld syndrome (EVC). Also called: Chondroectodermal dysplasia; EVC-Related Ellis-van Creveld Syndrome; EVC2-Related Ellis-van Creveld Syndrome; MESOECTODERMAL DYSPLASIA. Identifiers: Orphanet 289, MedGen C0013903, MONDO:0009162, OMIM 225500.
Curry-Hall syndrome (WAD). Also called: WEYERS ACRODENTAL DYSOSTOSIS. Identifiers: Orphanet 952, MedGen C0457013, MONDO:0008673, OMIM 193530.

Submission:

Labcorp Genetics (formerly Invitae), Labcorp
Classification: Pathogenic for Curry-Hall syndrome; Ellis-van Creveld syndrome. Last evaluated: 2018-06-20. Review status: criteria provided, single submitter. Criteria: Invitae Variant Classification Sherloc (09022015). Collection method: clinical testing. Allele origin: germline.
Comment: Loss-of-function variants in EVC are known to be pathogenic (PMID: 23220543). This variant has not been reported in the literature in individuals with EVC-related disease. This variant is not present in population databases (ExAC no frequency). This sequence change creates a premature translational stop signal (p.Arg438Glyfs*62) in the EVC gene. It is expected to result in an absent or disrupted protein product. For these reasons, this variant has been classified as Pathogenic.

Literature cited by the submitters: PubMed 23220543.

NM_153717.3(EVC):c.1312del (p.Arg438fs)

Gene: EVC (EvC ciliary complex subunit 1; plus strand). Cytogenetic location: 4p16.2.
Variant type: Deletion.
Coding change: c.1312del on transcript NM_153717.3 (MANE Select); coding-DNA position 1312, one base deleted (C; older notation c.1312delC).
Protein change: p.Arg438fs; shifts the reading frame from arginine 438.
Molecular consequence: frameshift variant.
Genome position (GRCh38, 1-based): chr4:5,753,049, C deleted; the last of 2 consecutive C bases (chr4:5,753,048-5,753,049); deleting either gives the same sequence. VCF-style (leftmost placement, unchanged base first): chr4-5753047-GC-G. GRCh37 (hg19) VCF-style: chr4-5754774-GC-G.
Other names: c.1312del, p.Arg438fs (NM_001306090.2, NM_001306092.2); short protein forms R438fs.
Identifiers: ClinVar variation 571769 (VCV000571769.8), dbSNP rs1560340993, ClinGen allele CA891842625.